The following is an entry in ClinVar:

NM_000384.3(APOB):c.4868G>A (p.Gly1623Asp)

Gene: APOB (apolipoprotein B; minus strand). Cytogenetic location: 2p24.1.
Variant type: single nucleotide variant.
Coding change: c.4868G>A on transcript NM_000384.3 (MANE Select); coding-DNA position 4868, G replaced by A.
Protein change: p.Gly1623Asp; replaces glycine 1623 with aspartic acid.
Molecular consequence: missense variant.
Genome position (GRCh38, 1-based): chr2:21,012,000, C>T on the plus strand (G>A on the coding strand, the complement: APOB is on the minus strand). VCF-style: chr2-21012000-C-T. GRCh37 (hg19) VCF-style: chr2-21234872-C-T.
Other names: short protein forms G1623D.
Identifiers: ClinVar variation 2931500 (VCV002931500.4), dbSNP rs753640735, ClinGen allele CA061339.

ClinVar aggregate classification (germline): Conflicting classifications of pathogenicity. Review status: criteria provided, conflicting classifications (1 of 4 stars). 2 submissions from 2 submitters: Uncertain significance (1); Likely benign (1). Last evaluated 2025-08-28.

Conditions:
Cardiovascular phenotype. Identifiers: MedGen CN230736.
Familial hypobetalipoproteinemia 1. Also called: APOB-Related Familial Hypobetalipoproteinemia; Hypobetalipoproteinemia, normotriglyceridemic; Acanthocytosis with hypobetalipoproteinemia. Identifiers: MedGen C4551990, MONDO:0014252, OMIM 615558.
Hypercholesterolemia, autosomal dominant, type B (FHCL2). Also called: Familial Hypercholesterolemia Type B; APOLIPOPROTEIN B-100, FAMILIAL DEFECTIVE; APOLIPOPROTEIN B-100, FAMILIAL LIGAND-DEFECTIVE; HYPERCHOLESTEROLEMIA, FAMILIAL, DUE TO LIGAND-DEFECTIVE APOLIPOPROTEIN B; Hyperlipoproteinemia Type IIb; Familial hypercholesterolemia 2. Identifiers: MedGen C1704417, MONDO:0007751, OMIM 144010.

Allele frequency attached by ClinVar (database versions not stated): ExAC 0.00001; gnomAD 0.00001; TOPMed 0.00001.
gnomAD v4.1: 10 of 1,613,994 alleles (0.00062%); highest among the groups gnomAD compares: East Asian, 0.022%; no homozygotes.

Submissions (2):

Ambry Genetics
Classification: Uncertain significance for Cardiovascular phenotype. Last evaluated: 2025-08-28. Review status: criteria provided, single submitter. Criteria: Ambry Variant Classification Scheme 2023. Collection method: clinical testing. Allele origin: germline.
Comment: The p.G1623D variant (also known as c.4868G>A), located in coding exon 26 of the APOB gene, results from a G to A substitution at nucleotide position 4868. The glycine at codon 1623 is replaced by aspartic acid, an amino acid with similar properties. This amino acid position is conserved. In addition, this alteration is predicted to be tolerated by in silico analysis. Based on the available evidence, the clinical significance of this variant remains unclear.

Labcorp Genetics (formerly Invitae), Labcorp
Classification: Likely benign for Familial hypobetalipoproteinemia 1; Hypercholesterolemia, autosomal dominant, type B. Last evaluated: 2024-04-08. Review status: criteria provided, single submitter. Criteria: Invitae Variant Classification Sherloc (09022015). Collection method: clinical testing. Allele origin: germline.